The following is an entry in ClinVar:

ClinVar aggregate classification (germline): Likely benign. Review status: criteria provided, multiple submitters, no conflicts (2 of 4 stars). 3 submissions from 3 submitters: Likely benign (2). 1 of the submissions does not count toward it. Last evaluated 2024-10-17.

Conditions:
KIF11-related disorder. Also called: KIF11-related condition.

Allele frequency attached by ClinVar (database versions not stated): gnomAD 0.00001; TOPMed 0.00001; ExAC 0.00002; gnomAD exomes 0.00002 and 0.00003.
gnomAD v4.1: 29 of 1,611,876 alleles (0.0018%); highest among the groups gnomAD compares: Non-Finnish European, 0.0024%; no homozygotes.

Submissions (3):

Blueprint Genetics
Classification: Likely benign. Last evaluated: 2024-10-17. Review status: criteria provided, single submitter. Criteria: ACMG Guidelines, 2015. Collection method: clinical testing. Allele origin: germline.

Labcorp Genetics (formerly Invitae), Labcorp
Classification: Likely benign. Last evaluated: 2023-11-07. Review status: criteria provided, single submitter. Criteria: Invitae Variant Classification Sherloc (09022015). Collection method: clinical testing. Allele origin: germline.

PreventionGenetics, part of Exact Sciences
Classification: Likely benign for KIF11-related condition. Last evaluated: 2019-03-27. Review status: no assertion criteria provided. Collection method: clinical testing. Allele origin: germline. Not counted in ClinVar's aggregate classification.
Comment: This variant is classified as likely benign based on ACMG/AMP sequence variant interpretation guidelines (Richards et al. 2015 PMID: 25741868, with internal and published modifications).

NM_004523.4(KIF11):c.855T>A (p.Ala285=)

Gene: KIF11 (kinesin family member 11; plus strand). Cytogenetic location: 10q23.33.
Variant type: single nucleotide variant.
Coding change: c.855T>A on transcript NM_004523.4 (MANE Select); coding-DNA position 855, T replaced by A.
Protein change: p.Ala285=; no amino-acid change (alanine 285 retained).
Molecular consequence: synonymous variant.
Genome position (GRCh38, 1-based): chr10:92,613,442, T>A. VCF-style: chr10-92613442-T-A. GRCh37 (hg19) VCF-style: chr10-94373199-T-A.
Other names: c.855T>A (NM_004523.3).
Identifiers: ClinVar variation 1085620 (VCV001085620.12), dbSNP rs757296069, ClinGen allele CA5604083.
Genomic context (GRCh38, chr10:92,613,442, plus strand): 5'-TCTTGCAGGAAGTGAAAACATTGGCCGTTCTGGAGCTGTTGATAAGAGAGCTCGGGAAGC[T>A]GGAAATATAAATCAATCCCTGTTGACTTTGGGAAGGGTCATTACTGCCCTTGTAGAAAGA-3'
Protein context (NP_004514.2, residues 275-295): SGAVDKRARE[Ala285=]GNINQSLLTL